The following is an entry in ClinVar:

ClinVar aggregate classification (germline): Uncertain significance (1 of 4 stars; one submission).

Conditions:
Dilated cardiomyopathy 1P (CMD1P). Identifiers: Orphanet 154, MedGen C1835928, MONDO:0012362, OMIM 609909.

Submission:

Labcorp Genetics (formerly Invitae), Labcorp
Classification: Uncertain significance for Dilated cardiomyopathy 1P. Last evaluated: 2020-08-23. Review status: criteria provided, single submitter. Criteria: Invitae Variant Classification Sherloc (09022015). Collection method: clinical testing. Allele origin: germline.
Comment: This variant occurs in a non-coding region of the PLN gene. It does not change the encoded amino acid sequence of the PLN protein. The frequency data for this variant in the population databases is considered unreliable, as metrics indicate insufficient coverage at this position in the ExAC database. This variant has not been reported in the literature in individuals with PLN-related conditions. Experimental studies and prediction algorithms are not available or were not evaluated, and the functional significance of this variant is currently unknown. In summary, the available evidence is currently insufficient to determine the role of this variant in disease. Therefore, it has been classified as a Variant of Uncertain Significance.

NC_000006.12:g.118548176A>G

Genes: PLN (phospholamban; plus strand), CEP85L (centrosomal protein 85L; minus strand). Cytogenetic location: 6q22.31.
Variant type: single nucleotide variant.
Molecular consequence: intron variant (on NM_001042475.3).
Genome position: GRCh38 VCF-style: chr6-118548176-A-G. GRCh37 (hg19) VCF-style: chr6-118869339-A-G.
Other names: c.1029+17353T>C (NM_001178035.2); c.1020+17353T>C (NM_001042475.3, NM_206921.3).
Identifiers: ClinVar variation 1013760 (VCV001013760.2), dbSNP rs1778321580, ClinGen allele CA1658181351.
Genomic context (GRCh38, chr6:118,548,176, plus strand): 5'-AAAACAAAAGATGAAGCACAAAGTGTTAATGACTTTTCCATACCTAAAGTAAGAAGTTCT[A>G]AAGTTTGGTTGTGATAAGACTGAGACTGTGGCTAACCAATCGAAACTTCAGAATTCCTAT-3'